The following is an entry in ClinVar:

ClinVar aggregate classification (germline): Benign (1 of 4 stars; one submission).

Allele frequency attached by ClinVar (database versions not stated): TOPMed 0.00061; gnomAD 0.00068 and 0.00061; ESP Exome Variant Server 0.00017; 1000 Genomes Project 30x 0.00109; gnomAD exomes 0.00074; 1000 Genomes Project 0.00080; ExAC 0.00105.
gnomAD v4.1: 1,614 of 1,598,176 alleles (0.1%); highest among the groups gnomAD compares: Middle Eastern, 0.36%; 3 homozygotes.

Submission:

GeneDx
Classification: Benign. Last evaluated: 2014-04-01. Review status: criteria provided, single submitter. Criteria: GeneDx Variant Classification (06012015). Collection method: clinical testing. Allele origin: germline. Affected: yes.
Comment: This variant is considered likely benign or benign based on one or more of the following criteria: it is a conservative change, it occurs at a poorly conserved position in the protein, it is predicted to be benign by multiple in silico algorithms, and/or has population frequency not consistent with disease.

NM_017775.3(TTC19):c.-340G>C

Genes: TTC19 (tetratricopeptide repeat domain 19; plus strand), ZSWIM7 (zinc finger SWIM-type containing 7; minus strand). Cytogenetic location: 17p12.
Variant type: single nucleotide variant.
Coding change: c.-340G>C on transcript NM_017775.3; 340 bases upstream of the start codon, G replaced by C.
Molecular consequence: intron variant (on NM_001042697.2).
Genome position (GRCh38, 1-based): chr17:15,999,509, G>C. VCF-style: chr17-15999509-G-C. GRCh37 (hg19) VCF-style: chr17-15902823-G-C.
Other names: p.S8S:TCG>TCC; c.76+10C>G (NM_001042698.2, NM_001042697.2).
Identifiers: ClinVar variation 137769 (VCV000137769.7), dbSNP rs200004394, ClinGen allele CA291429.